The following is an entry in ClinVar:

NM_002474.3(MYH11):c.4948_4949delinsAA (p.Leu1650Lys)

Genes: MYH11 (myosin heavy chain 11; minus strand), NDE1 (nudE neurodevelopment protein 1; plus strand). Cytogenetic location: 16p13.11.
Variant type: Indel.
Coding change: c.4948_4949delinsAA on transcript NM_002474.3 (MANE Select); coding-DNA positions 4948 to 4949, CT replaced by AA.
Protein change: p.Leu1650Lys; replaces leucine 1650 with lysine.
Molecular consequence: missense variant. On other transcripts: intron variant (2).
Genome position (GRCh38, 1-based): chr16:15,720,155-15,720,156, AG replaced by TT on the plus strand (CT replaced by AA on the coding strand, the reverse complement: MYH11 is on the minus strand). VCF-style: chr16-15720155-AG-TT. GRCh37 (hg19) VCF-style: chr16-15814012-AG-TT.
Other names: c.4969_4970delinsAA, p.Leu1657Lys (NM_001040113.2, NM_001040114.2); c.4948_4949delinsAA, p.Leu1650Lys (NM_022844.3); c.948-4036_948-4035delinsTT (NM_001143979.2, NM_017668.3); short protein forms L1650K, L1657K.
Identifiers: ClinVar variation 3613961 (VCV003613961.2).

ClinVar aggregate classification (germline): Uncertain significance (1 of 4 stars; one submission).

Conditions:
Aortic aneurysm, familial thoracic 4 (AAT4). Also called: AORTIC ANEURYSM/AORTIC DISSECTION AND PATENT DUCTUS ARTERIOSUS. Identifiers: MedGen C1851504, MONDO:0007568, OMIM 132900.

Submission:

Labcorp Genetics (formerly Invitae), Labcorp
Classification: Uncertain significance for Aortic aneurysm, familial thoracic 4. Last evaluated: 2024-02-22. Review status: criteria provided, single submitter. Criteria: Invitae Variant Classification Sherloc (09022015). Collection method: clinical testing. Allele origin: germline.
Comment: This sequence change replaces leucine, which is neutral and non-polar, with lysine, which is basic and polar, at codon 1657 of the MYH11 protein (p.Leu1657Lys). This variant is present in population databases (no rsID available, gnomAD 0.0004%). This variant has not been reported in the literature in individuals affected with MYH11-related conditions. An algorithm developed to predict the effect of missense changes on protein structure and function (PolyPhen-2) suggests that this variant is likely to be disruptive. In summary, the available evidence is currently insufficient to determine the role of this variant in disease. Therefore, it has been classified as a Variant of Uncertain Significance.